The following is an entry in ClinVar:

ClinVar aggregate classification (germline): Benign. Review status: criteria provided, multiple submitters, no conflicts (2 of 4 stars). 2 submissions from 2 submitters: Benign (2). Last evaluated 2018-06-18.

Allele frequency attached by ClinVar (database versions not stated): gnomAD 0.03754; 1000 Genomes Project 0.04054; 1000 Genomes Project 30x 0.04341; TOPMed 0.04430.
gnomAD v4.1: 9,988 of 1,063,676 alleles (0.94%); highest among the groups gnomAD compares: African/African-American, 14%; 635 homozygotes.

Submissions (2):

GeneDx
Classification: Benign. Last evaluated: 2018-06-18. Review status: criteria provided, single submitter. Criteria: GeneDx Variant Classification (06012015). Collection method: clinical testing. Allele origin: germline. Affected: yes.
Comment: This variant is considered likely benign or benign based on one or more of the following criteria: it is a conservative change, it occurs at a poorly conserved position in the protein, it is predicted to be benign by multiple in silico algorithms, and/or has population frequency not consistent with disease.

Breakthrough Genomics
Classification: Benign. Review status: criteria provided, single submitter. Criteria: ACMG Guidelines, 2015. Collection method: not provided. Allele origin: germline. Inheritance: Autosomal dominant inheritance. Affected: yes.

NM_004329.3(BMPR1A):c.868+135C>G

Gene: BMPR1A (bone morphogenetic protein receptor type 1A; plus strand). Cytogenetic location: 10q23.2.
Variant type: single nucleotide variant.
Coding change: c.868+135C>G on transcript NM_004329.3 (MANE Select); 135 bases into the intron after coding-DNA position 868, C replaced by G.
Molecular consequence: intron variant.
Genome position (GRCh38, 1-based): chr10:86,917,461, C>G. VCF-style: chr10-86917461-C-G. GRCh37 (hg19) VCF-style: chr10-88677218-C-G.
Identifiers: ClinVar variation 676479 (VCV000676479.2), dbSNP rs12263207, ClinGen allele CA211207212.